The following is an entry in ClinVar:

NM_000719.7(CACNA1C):c.5444+593G>C

Genes: CACNA1C (calcium voltage-gated channel subunit alpha1 C; plus strand), CACNA1C-AS1 (CACNA1C antisense RNA 1; minus strand). Cytogenetic location: 12p13.33.
Variant type: single nucleotide variant.
Coding change: c.5444+593G>C on transcript NM_000719.7 (MANE Select); 593 bases into the intron after coding-DNA position 5444, G replaced by C.
Molecular consequence: intron variant. On other transcripts: missense variant (1).
Genome position (GRCh38, 1-based): chr12:2,680,389, G>C. VCF-style: chr12-2680389-G-C. GRCh37 (hg19) VCF-style: chr12-2789555-G-C.
Other names: c.5438G>C, p.Gly1813Ala (NM_001167625.2); c.5444+593G>C (NM_001167624.3, NM_001167623.2, NM_001129840.2 and 4 more transcripts); c.5588+593G>C (NM_199460.4, NM_001129827.2); c.5504+593G>C (NM_001129832.2); c.5528+593G>C (NM_001129831.2); c.5501+593G>C (NM_001129833.2, NM_001129834.2, NM_001129835.2); c.5567+593G>C (NM_001129829.2); c.5468+593G>C (NM_001129837.2, NM_001129838.2); and 4 more; short protein forms G1813A.
Identifiers: ClinVar variation 5040186 (VCV005040186.1).

ClinVar aggregate classification (germline): Uncertain significance (1 of 4 stars; one submission).

gnomAD v4.1: 14 of 1,558,204 alleles (0.0009%); highest among the groups gnomAD compares: Non-Finnish European, 0.0012%; no homozygotes.

Submission:

CeGaT Center for Human Genetics Tuebingen
Classification: Uncertain significance. Last evaluated: 2026-07-01. Review status: criteria provided, single submitter. Criteria: CeGaT Center For Human Genetics Tuebingen Variant Classification Criteria Version 2. Collection method: clinical testing. Allele origin: germline. Affected: yes. Observed: 1 variant allele.
Comment: CACNA1C: PP3